The following is an entry in ClinVar:

NM_001007553.3(CSDE1):c.2021G>A (p.Arg674His)

Gene: CSDE1 (cold shock domain containing E1; minus strand). Cytogenetic location: 1p13.2.
Variant type: single nucleotide variant.
Coding change: c.2021G>A on transcript NM_001007553.3 (MANE Select); coding-DNA position 2021, G replaced by A.
Protein change: p.Arg674His; replaces arginine 674 with histidine.
Molecular consequence: missense variant.
Genome position (GRCh38, 1-based): chr1:114,720,570, C>T on the plus strand (G>A on the coding strand, the complement: CSDE1 is on the minus strand). VCF-style: chr1-114720570-C-T. GRCh37 (hg19) VCF-style: chr1-115263191-C-T.
Other names: c.2066G>A, p.Arg689His (NM_001130523.3); c.2159G>A, p.Arg720His (NM_001242891.2); c.2021G>A, p.Arg674His (NM_001242892.2); c.1928G>A, p.Arg643His (NM_001242893.2, NM_007158.6); short protein forms R643H, R674H, R689H, R720H.
Identifiers: ClinVar variation 2572968 (VCV002572968.2), dbSNP rs1306278892, ClinGen allele CA341747890.

ClinVar aggregate classification (germline): Uncertain significance (1 of 4 stars; one submission).

Allele frequency attached by ClinVar (database versions not stated): gnomAD exomes 0.00001; TOPMed 0.00001.
gnomAD v4.1: 4 of 1,614,040 alleles (0.00025%); highest among the groups gnomAD compares: East Asian, 0.0022%; no homozygotes.

Submission:

GeneDx
Classification: Uncertain significance. Last evaluated: 2024-09-19. Review status: criteria provided, single submitter. Criteria: GeneDx Variant Classification Process June 2021. Collection method: clinical testing. Allele origin: germline. Affected: yes.
Comment: In silico analysis supports that this missense variant has a deleterious effect on protein structure/function; Has not been previously published as pathogenic or benign to our knowledge